The following is an entry in ClinVar:

NM_000501.4(ELN):c.872G>A (p.Gly291Glu)

Gene: ELN (elastin; plus strand). Cytogenetic location: 7q11.23.
Variant type: single nucleotide variant.
Coding change: c.872G>A on transcript NM_000501.4 (MANE Select); coding-DNA position 872, G replaced by A.
Protein change: p.Gly291Glu; replaces glycine 291 with glutamic acid.
Molecular consequence: missense variant.
Genome position (GRCh38, 1-based): chr7:74,051,822, G>A. VCF-style: chr7-74051822-G-A. GRCh37 (hg19) VCF-style: chr7-73466152-G-A.
Other names: c.842G>A, p.Gly281Glu (NM_001081752.3, NM_001278917.2); c.887G>A, p.Gly296Glu (NM_001081753.3, NM_001081754.3); c.872G>A, p.Gly291Glu (NM_001081755.3, NM_001278912.2, NM_001278915.2 and 1 more transcripts); c.764G>A, p.Gly255Glu (NM_001278913.2); c.857G>A, p.Gly286Glu (NM_001278914.2); c.830G>A, p.Gly277Glu (NM_001278916.2); c.740G>A, p.Gly247Glu (NM_001278918.2); short protein forms G247E, G296E, G255E, G277E, G286E, G291E, G281E.
Identifiers: ClinVar variation 4759703 (VCV004759703.1).

ClinVar aggregate classification (germline): Uncertain significance (1 of 4 stars; one submission).

Conditions:
Supravalvar aortic stenosis (SVAS). Also called: Supravalvar aortic stenosis, Eisenberg type. Identifiers: Orphanet 3193, MedGen C0003499, MONDO:0008504, OMIM 185500, HP:0004381.

gnomAD v4.1: 2 of 1,614,212 alleles (0.00012%); highest among the groups gnomAD compares: Admixed American, 0.0017%; no homozygotes.

Submission:

Labcorp Genetics (formerly Invitae), Labcorp
Classification: Uncertain significance for Supravalvar aortic stenosis. Last evaluated: 2025-05-04. Review status: criteria provided, single submitter. Criteria: Invitae Variant Classification Sherloc (09022015). Collection method: clinical testing. Allele origin: germline.
Comment: This sequence change replaces glycine, which is neutral and non-polar, with glutamic acid, which is acidic and polar, at codon 291 of the ELN protein (p.Gly291Glu). This variant is present in population databases (no rsID available, gnomAD 0.003%). This variant has not been reported in the literature in individuals affected with ELN-related conditions. Invitae Evidence Modeling of protein sequence and biophysical properties (such as structural, functional, and spatial information, amino acid conservation, physicochemical variation, residue mobility, and thermodynamic stability) indicates that this missense variant is not expected to disrupt ELN protein function with a negative predictive value of 80%. In summary, the available evidence is currently insufficient to determine the role of this variant in disease. Therefore, it has been classified as a Variant of Uncertain Significance.